The following is an entry in ClinVar:

ClinVar aggregate classification (germline): Pathogenic (1 of 4 stars; one submission).

Submission:

Labcorp Genetics (formerly Invitae), Labcorp
Classification: Pathogenic. Last evaluated: 2023-01-17. Review status: criteria provided, single submitter. Criteria: Invitae Variant Classification Sherloc (09022015). Collection method: clinical testing. Allele origin: germline.
Comment: For these reasons, this variant has been classified as Pathogenic. This variant has not been reported in the literature in individuals affected with TANGO2-related conditions. This variant is not present in population databases (gnomAD no frequency). This sequence change creates a premature translational stop signal (p.Trp164*) in the TANGO2 gene. It is expected to result in an absent or disrupted protein product. Loss-of-function variants in TANGO2 are known to be pathogenic (PMID: 26805781, 26805782).

Literature cited by the submitters: PubMed 26805781; PubMed 26805782.

NM_152906.7(TANGO2):c.491G>A (p.Trp164Ter)

Gene: TANGO2 (transport and golgi organization 2 homolog; plus strand). Cytogenetic location: 22q11.21.
Variant type: single nucleotide variant.
Coding change: c.491G>A on transcript NM_152906.7 (MANE Select); coding-DNA position 491, G replaced by A.
Protein change: p.Trp164Ter; replaces tryptophan 164 with a stop codon.
Molecular consequence: nonsense. On other transcripts: non-coding transcript variant (3), intron variant (4).
Genome position (GRCh38, 1-based): chr22:20,061,569, G>A. VCF-style: chr22-20061569-G-A. GRCh37 (hg19) VCF-style: chr22-20049092-G-A.
Other names: c.305G>A, p.Trp102Ter (NM_001283179.3, NM_001283186.3, NM_001322163.2 and 3 more transcripts); c.197G>A, p.Trp66Ter (NM_001283235.3, NM_001322171.2, NM_001322172.2 and 6 more transcripts); c.614G>A, p.Trp205Ter (NM_001322141.2, NM_001322143.2, NM_001322144.2 and 1 more transcripts); c.491G>A, p.Trp164Ter (NM_001322142.2, NM_001283106.3, NM_001283116.3 and 2 more transcripts); c.428G>A, p.Trp143Ter (NM_001322145.2, NM_001322147.2); c.389G>A, p.Trp130Ter (NM_001322146.2, NM_001322148.2, NM_001322160.2); c.381-1769G>A (NM_001283199.3); c.575-2973G>A (NM_001283215.3); and 2 more; short protein forms W130*, W164*, W102*, W143*, W205*, W66*.
Identifiers: ClinVar variation 2829728 (VCV002829728.3), dbSNP rs1453968760, ClinGen allele CA410699142.